The following is an entry in ClinVar:

NM_000093.5(COL5A1):c.3502G>T (p.Gly1168Ter)

Gene: COL5A1 (collagen type V alpha 1 chain; plus strand). Cytogenetic location: 9q34.3.
Variant type: single nucleotide variant.
Coding change: c.3502G>T on transcript NM_000093.5 (MANE Select); coding-DNA position 3502, G replaced by T.
Protein change: p.Gly1168Ter; replaces glycine 1168 with a stop codon.
Molecular consequence: nonsense.
Genome position (GRCh38, 1-based): chr9:134,810,282, G>T. VCF-style: chr9-134810282-G-T. GRCh37 (hg19) VCF-style: chr9-137702128-G-T.
Other names: c.3502G>T, p.Gly1168Ter (NM_001278074.1); short protein forms G1168*.
Identifiers: ClinVar variation 4689200 (VCV004689200.1).
Genomic context (GRCh38, chr9:134,810,282, plus strand): 5'-CTTTCTAACCGAATCCCCCACACCTTCCCCTAGGGAGAGATCGGGGAGCCGGGGCAGAAA[G>T]GAAGCAAGGGGGACAAAGGAGAACAGGTAAGTATTGGCACGGGGGCGCGCGGCAGCCCCC-3'

ClinVar aggregate classification (germline): Pathogenic (1 of 4 stars; one submission).

Conditions:
Ehlers-Danlos syndrome, classic type, 1 (EDSCL1). Also called: EHLERS-DANLOS SYNDROME, GRAVIS TYPE; EHLERS-DANLOS SYNDROME, SEVERE CLASSIC TYPE; Ehlers-Danlos syndrome, type 1; Ehlers-Danlos Syndrome, Classic Type, COL5A1-Related; EDS I. Identifiers: MedGen C0268335, MONDO:0019567, OMIM 130000.

Submission:

Women's Health and Genetics/Laboratory Corporation of America, LabCorp
Classification: Pathogenic for Ehlers-Danlos syndrome, classic type, 1. Last evaluated: 2026-01-20. Review status: criteria provided, single submitter. Criteria: LabCorp Variant Classification Summary - May 2015. Collection method: clinical testing. Allele origin: germline.
Comment: Variant summary: COL5A1 c.3502G>T (p.Gly1168X) results in a premature termination codon, predicted to cause a truncation of the encoded protein or absence of the protein due to nonsense mediated decay, which are commonly known mechanisms for disease. The variant was absent in 251232 control chromosomes. To our knowledge, no occurrence of c.3502G>T in individuals affected with COL5A1-related conditions and no experimental evidence demonstrating its impact on protein function have been reported. No submitters have cited clinical-significance assessments for this variant to ClinVar. Based on the evidence outlined above, the variant was classified as pathogenic.